The following is an entry in ClinVar:

NM_000526.5(KRT14):c.856G>C (p.Glu286Gln)

Gene: KRT14 (keratin 14; minus strand). Cytogenetic location: 17q21.2.
Variant type: single nucleotide variant.
Coding change: c.856G>C on transcript NM_000526.5 (MANE Select); coding-DNA position 856, G replaced by C.
Protein change: p.Glu286Gln; replaces glutamic acid 286 with glutamine.
Molecular consequence: missense variant.
Genome position (GRCh38, 1-based): chr17:41,583,831, C>G on the plus strand (G>C on the coding strand, the complement: KRT14 is on the minus strand). VCF-style: chr17-41583831-C-G. GRCh37 (hg19) VCF-style: chr17-39740083-C-G.
Other names: short protein forms E286Q.
Identifiers: ClinVar variation 2634713 (VCV002634713.4), dbSNP rs202157466, ClinGen allele CA8562590.
Genomic context (GRCh38, chr17:41,583,831, plus strand): 5'-ACCATTCCTCGGCATCCTTGCGGTTCTTCTCTGCCATCTTCTCATACTGGTCACGCATCT[C>G]GTTCAGAATGCGGCTCAGGTCCACGCCAGGTGCAGCGTCCATCTCCACATTGACATCTCC-3'
Protein context (NP_000517.3, residues 276-296): PGVDLSRILN[Glu286Gln]MRDQYEKMAE

ClinVar aggregate classification (germline): Uncertain significance. Review status: criteria provided, multiple submitters, no conflicts (2 of 4 stars). 3 submissions from 3 submitters: Uncertain significance (3). Last evaluated 2025-09-17.

Conditions:
KRT14-related disorder. Also called: KRT14-related condition.

Allele frequency attached by ClinVar (database versions not stated): ExAC 0.00004; gnomAD 0.00005; TOPMed 0.00006; 1000 Genomes Project 30x 0.00016; 1000 Genomes Project 0.00020.
gnomAD v4.1: 163 of 1,614,182 alleles (0.01%); highest among the groups gnomAD compares: Middle Eastern, 0.049%; no homozygotes.

Submissions (3):

GeneDx
Classification: Uncertain significance. Last evaluated: 2025-09-17. Review status: criteria provided, single submitter. Criteria: GeneDx Variant Classification Process June 2021. Collection method: clinical testing. Allele origin: germline.
Comment: Has not been previously published as pathogenic or benign to our knowledge; In silico analysis suggests that this missense variant does not alter protein structure/function

PreventionGenetics, part of Exact Sciences
Classification: Uncertain significance for KRT14-related condition. Last evaluated: 2023-09-19. Review status: criteria provided, single submitter. Criteria: ACMG Guidelines, 2015. Collection method: clinical testing. Allele origin: germline.
Comment: The KRT14 c.856G>C variant is predicted to result in the amino acid substitution p.Glu286Gln. To our knowledge, this variant has not been reported in the literature. This variant is reported in 0.020% of alleles in individuals of Latino descent in gnomAD. At this time, the clinical significance of this variant is uncertain due to the absence of conclusive functional and genetic evidence.

Centre for Clinical Genetics and Genomic Diagnostics, Zealand University Hospital
Classification: Uncertain significance. Last evaluated: 2023-01-10. Review status: criteria provided, single submitter. Criteria: ACMG Guidelines, 2015. Collection method: clinical testing. Allele origin: germline. Affected: yes.